The following is an entry in ClinVar:

ClinVar aggregate classification (germline): Uncertain significance (1 of 4 stars; one submission).

Conditions:
Early Myoclonic Encephalopathy. Identifiers: MedGen C0270855.

Allele frequency attached by ClinVar (database versions not stated): TOPMed 0.00003; ESP Exome Variant Server 0.00008; ExAC 0.00002; gnomAD exomes below 0.00001 and 0.00001; gnomAD 0.00005 and 0.00003.
gnomAD v4.1: 8 of 1,613,828 alleles (0.0005%); highest among the groups gnomAD compares: African/African-American, 0.011%; no homozygotes.

Submission:

Labcorp Genetics (formerly Invitae), Labcorp
Classification: Uncertain significance for Early Myoclonic Encephalopathy. Last evaluated: 2025-04-01. Review status: criteria provided, single submitter. Criteria: Invitae Variant Classification Sherloc (09022015). Collection method: clinical testing. Allele origin: germline.
Comment: This sequence change replaces isoleucine, which is neutral and non-polar, with threonine, which is neutral and polar, at codon 917 of the JMJD1C protein (p.Ile917Thr). This variant is present in population databases (rs372956483, gnomAD 0.02%). This variant has not been reported in the literature in individuals affected with JMJD1C-related conditions. ClinVar contains an entry for this variant (Variation ID: 955274). Invitae Evidence Modeling of protein sequence and biophysical properties (such as structural, functional, and spatial information, amino acid conservation, physicochemical variation, residue mobility, and thermodynamic stability) indicates that this missense variant is not expected to disrupt JMJD1C protein function with a negative predictive value of 80%. In summary, the available evidence is currently insufficient to determine the role of this variant in disease. Therefore, it has been classified as a Variant of Uncertain Significance.

NM_032776.3(JMJD1C):c.2750T>C (p.Ile917Thr)

Gene: JMJD1C (jumonji domain containing 1C; minus strand). Cytogenetic location: 10q21.3.
Variant type: single nucleotide variant.
Coding change: c.2750T>C on transcript NM_032776.3 (MANE Select); coding-DNA position 2750, T replaced by C.
Protein change: p.Ile917Thr; replaces isoleucine 917 with threonine.
Molecular consequence: missense variant. On other transcripts: non-coding transcript variant (1).
Genome position (GRCh38, 1-based): chr10:63,209,180, A>G on the plus strand (T>C on the coding strand, the complement: JMJD1C is on the minus strand). VCF-style: chr10-63209180-A-G. GRCh37 (hg19) VCF-style: chr10-64968940-A-G.
Other names: c.2204T>C, p.Ile735Thr (NM_001282948.2, NM_001318154.2); c.1886T>C, p.Ile629Thr (NM_001318153.2); c.2636T>C, p.Ile879Thr (NM_001322252.2); c.2093T>C, p.Ile698Thr (NM_001322254.2, NM_001322258.2); short protein forms I629T, I879T, I698T, I735T, I917T.
Identifiers: ClinVar variation 955274 (VCV000955274.9), dbSNP rs372956483, ClinGen allele CA5518564.